The following is an entry in ClinVar:

ClinVar aggregate classification (germline): Likely benign (0 of 4 stars; one submission).

Conditions:
MKS1-related disorder. Also called: MKS1-related disorders; MKS1-related condition. Identifiers: MedGen CN239382.

Allele frequency attached by ClinVar (database versions not stated): gnomAD exomes 0.00002; 1000 Genomes Project 30x 0.00016; TOPMed 0.00019; gnomAD 0.00025.

Submission:

PreventionGenetics, part of Exact Sciences
Classification: Likely benign for MKS1-related condition. Last evaluated: 2023-01-05. Review status: no assertion criteria provided. Collection method: clinical testing. Allele origin: germline.
Comment: This variant is classified as likely benign based on ACMG/AMP sequence variant interpretation guidelines (Richards et al. 2015 PMID: 25741868, with internal and published modifications).

NM_017777.4(MKS1):c.262-69_262-68dup

Gene: MKS1 (MKS transition zone complex subunit 1; minus strand). Cytogenetic location: 17q22.
Variant type: Duplication.
Coding change: c.262-69_262-68dup on transcript NM_017777.4 (MANE Select); 69 bases into the intron before coding-DNA position 262 through 68 bases into the intron before coding-DNA position 262, 2 bases duplicated (AG; older notation c.262-69_262-68dupAG).
Molecular consequence: intron variant.
Genome position (GRCh38, 1-based): chr17:58,216,311-58,216,312, CT duplicated on the plus strand (AG on the coding strand, the reverse complement: MKS1 is on the minus strand). VCF-style (leftmost placement, unchanged base first): chr17-58216310-A-ACT. GRCh37 (hg19) VCF-style: chr17-56293671-A-ACT.
Other names: c.-250-69_-250-68dup (NM_001321268.2); c.262-69_262-68dup (NM_001330397.2, NM_001321269.2, NM_001411113.1).
Identifiers: ClinVar variation 3042431 (VCV003042431.2), dbSNP rs1010238182, ClinGen allele CA292014814.
Genomic context (GRCh38, chr17:58,216,310, plus strand): 5'-TTACCATAAGGAAACAGAGATGTGTACATCATTATAATACATCAAACTTTTGCTTCTGTA[A>ACT]CTGTTTAATCAAATCAGTTCTACAGAACTGATGCTATCTGACATGTTTTCATAACCAACA-3'